The following is an entry in ClinVar:

NM_007294.4(BRCA1):c.3164del (p.Gly1055fs)

Gene: BRCA1 (BRCA1 DNA repair associated; minus strand). Cytogenetic location: 17q21.31.
Variant type: Deletion.
Coding change: c.3164del on transcript NM_007294.4 (MANE Select); coding-DNA position 3164, one base deleted (G; older notation c.3164delG).
Protein change: p.Gly1055fs; shifts the reading frame from glycine 1055.
Molecular consequence: frameshift variant. On other transcripts: intron variant (137).
Genome position (GRCh38, 1-based): chr17:43,092,367, C deleted on the plus strand (G on the coding strand, the reverse complement: BRCA1 is on the minus strand); the first of 3 consecutive C bases (chr17:43,092,367-43,092,369); deleting any one gives the same sequence. VCF-style (leftmost placement, unchanged base first): chr17-43092366-GC-G. GRCh37 (hg19) VCF-style: chr17-41244383-GC-G.
Other names: c.3164delG (NM_007294.3); c.2951del, p.Gly984fs (NM_001407571.1, NM_001407853.1, NM_001407894.1 and 9 more transcripts); c.3164del, p.Gly1055fs (NM_001407581.1, NM_001407582.1, NM_001407583.1 and 30 more transcripts); c.3161del, p.Gly1054fs (NM_001407587.1, NM_001407590.1, NM_001407591.1 and 22 more transcripts); c.3155del, p.Gly1052fs (NM_001407646.1, NM_001407647.1); c.3041del, p.Gly1014fs (NM_001407648.1, NM_001407664.1, NM_001407665.1 and 19 more transcripts); c.3038del, p.Gly1013fs (NM_001407649.1, NM_001407670.1, NM_001407671.1 and 11 more transcripts); c.3086del, p.Gly1029fs (NM_001407653.1, NM_001407654.1, NM_001407655.1 and 4 more transcripts); and 42 more; short protein forms G1008fs, G1055fs, G943fs, G1007fs, G1028fs, G1029fs, G1054fs, G887fs.
Identifiers: ClinVar variation 54785 (VCV000054785.3), dbSNP rs397509043, ClinGen allele CA002061.

ClinVar aggregate classification (germline): Pathogenic. Review status: reviewed by expert panel (3 of 4 stars). 2 submissions from 2 submitters: Pathogenic (1). 1 of the submissions does not count toward it. Last evaluated 2017-12-15.

Conditions:
Breast-ovarian cancer, familial, susceptibility to, 1 (BROVCA1). Also called: OVARIAN CANCER, SUSCEPTIBILITY TO; BRCA1 Hereditary Breast and Ovarian Cancer. Identifiers: Orphanet 145, MedGen C2676676, MONDO:0011450, OMIM 604370. Disease mechanism: loss of function.
Familial cancer of breast. Also called: Hereditary breast cancer; hereditary breast carcinoma; BREAST CANCER, FAMILIAL. Identifiers: Orphanet 227535, MedGen C0346153, MONDO:0016419, OMIM 114480. Disease mechanism: loss of function.

Submissions (2):

Evidence-based Network for the Interpretation of Germline Mutant Alleles (ENIGMA)
Classification: Pathogenic for Breast-ovarian cancer, familial, susceptibility to, 1. Last evaluated: 2017-12-15. Review status: reviewed by expert panel. Criteria: ENIGMA BRCA1/2 Classification Criteria (2017-06-29). Collection method: curation. Allele origin: germline. Study: ENIGMA.
Comment: Variant allele predicted to encode a truncated non-functional protein.

ClinVar Staff, National Center for Biotechnology Information (NCBI)
No classification provided. Condition: Familial cancer of breast. Review status: no classification provided. Collection method: literature only. Allele origin: germline. Affected: yes. Not counted in ClinVar's aggregate classification.

Literature cited by the submitters: PubMed 18489799 (cited by ClinVar Staff, National Center for Biotechnology Information (NCBI)).